The following is an entry in ClinVar:

NC_000007.13:g.(?_65435249)_(65435373_?)dup

Gene: GUSB (glucuronidase beta; minus strand). Cytogenetic location: 7q11.21.
Variant type: Duplication.
Identifiers: ClinVar variation 3245713 (VCV003245713.1).

ClinVar aggregate classification (germline): Likely pathogenic (1 of 4 stars; one submission).

Conditions:
Mucopolysaccharidosis type 7 (MPS7). Also called: BETA-GLUCURONIDASE DEFICIENCY; GUSB DEFICIENCY; SLY SYNDROME; MPS VII. Identifiers: Orphanet 584, MedGen C0085132, MONDO:0009662, OMIM 253220.

Submission:

Labcorp Genetics (formerly Invitae), Labcorp
Classification: Likely pathogenic for Mucopolysaccharidosis type 7. Last evaluated: 2024-01-18. Review status: criteria provided, single submitter. Criteria: Invitae Variant Classification Sherloc (09022015). Collection method: clinical testing. Allele origin: unknown.
Comment: This variant results in a copy number gain of the genomic region encompassing exon(s) 9 of the GUSB gene. While the exact position of this variant cannot be determined from the data, sub-genic copy number gains are generally in tandem (PMID: 25640679). This variant is predicted to be out-of-frame, and may result in an absent or disrupted protein product. Loss-of-function variants in GUSB are known to be pathogenic (PMID: 19224584). This variant has not been reported in the literature in individuals affected with GUSB-related conditions. In summary, the currently available evidence indicates that the variant is pathogenic, but additional data are needed to prove that conclusively. Therefore, this variant has been classified as Likely Pathogenic.

Literature cited by the submitters: PubMed 25640679; PubMed 19224584.